The following is an entry in ClinVar:

ClinVar aggregate classification (germline): Uncertain significance (1 of 4 stars; one submission).

Submission:

Dasa
Classification: Uncertain significance. Last evaluated: 2025-05-28. Review status: criteria provided, single submitter. Criteria: DASA Assertion Criteria. Collection method: clinical testing. Allele origin: germline.
Comment: NM_001365951.3(KIF1B):c.1375A>C (p.Ser459Arg) is a missense variant that results in the substitution of serine with arginine. This variant is absent from population databases. The currently available literature and clinical evidence are not sufficient to establish a definitive association between this variant and the reported condition. Therefore, this variant is classified as a variant of uncertain significance.

NM_001365951.3(KIF1B):c.1375A>C (p.Ser459Arg)

Gene: KIF1B (kinesin family member 1B; plus strand). Cytogenetic location: 1p36.22.
Variant type: single nucleotide variant.
Coding change: c.1375A>C on transcript NM_001365951.3 (MANE Select); coding-DNA position 1375, A replaced by C.
Protein change: p.Ser459Arg; replaces serine 459 with arginine.
Molecular consequence: missense variant.
Genome position (GRCh38, 1-based): chr1:10,282,474, A>C. VCF-style: chr1-10282474-A-C. GRCh37 (hg19) VCF-style: chr1-10342532-A-C.
Other names: c.1375A>C, p.Ser459Arg (NM_001365952.1); c.1237A>C, p.Ser413Arg (NM_001365953.1, NM_015074.3, NM_183416.4); short protein forms S413R, S459R.
Identifiers: ClinVar variation 4881783 (VCV004881783.2).